The following is an entry in ClinVar:

NM_001098.3(ACO2):c.1287G>A (p.Arg429=)

Gene: ACO2 (aconitase 2; plus strand). Cytogenetic location: 22q13.2.
Variant type: single nucleotide variant.
Coding change: c.1287G>A on transcript NM_001098.3 (MANE Select); coding-DNA position 1287, G replaced by A.
Protein change: p.Arg429=; no amino-acid change (arginine 429 retained).
Molecular consequence: synonymous variant.
Genome position (GRCh38, 1-based): chr22:41,522,978, G>A. VCF-style: chr22-41522978-G-A. GRCh37 (hg19) VCF-style: chr22-41918982-G-A.
Identifiers: ClinVar variation 4874911 (VCV004874911.2).

ClinVar aggregate classification (germline): Likely benign (1 of 4 stars; one submission).

Submission:

CeGaT Center for Human Genetics Tuebingen
Classification: Likely benign. Last evaluated: 2026-05-01. Review status: criteria provided, single submitter. Criteria: CeGaT Center For Human Genetics Tuebingen Variant Classification Criteria Version 2. Collection method: clinical testing. Allele origin: germline. Affected: yes. Observed: 1 variant allele.
Comment: ACO2: PM2:Supporting, BP4, BP7